The following is an entry in ClinVar:

NM_004304.5(ALK):c.4606G>A (p.Glu1536Lys)

Gene: ALK (ALK receptor tyrosine kinase; minus strand). Cytogenetic location: 2p23.2.
Variant type: single nucleotide variant.
Coding change: c.4606G>A on transcript NM_004304.5 (MANE Select); coding-DNA position 4606, G replaced by A.
Protein change: p.Glu1536Lys; replaces glutamic acid 1536 with lysine.
Molecular consequence: missense variant.
Genome position (GRCh38, 1-based): chr2:29,193,481, C>T on the plus strand (G>A on the coding strand, the complement: ALK is on the minus strand). VCF-style: chr2-29193481-C-T. GRCh37 (hg19) VCF-style: chr2-29416347-C-T.
Other names: c.1402G>A, p.Glu468Lys (NM_001353765.2); short protein forms E1536K, E468K.
Identifiers: ClinVar variation 538216 (VCV000538216.11), dbSNP rs752701859, ClinGen allele CA346460614.
Genomic context (GRCh38, chr2:29,193,481, plus strand): 5'-GCAGTGAGGCCCCCGGAAGTCTCCCAGTTGCAACGTTAGGTGGGACAGTACAGCTTCCCT[C>T]CAGCCCCAGGTTACCCCTGTCGTGTGGCTCCTTCTTTGCTATAGGATTATTCTTTTTGGT-3'
Protein context (NP_004295.2, residues 1526-1546): EPHDRGNLGL[Glu1536Lys]GSCTVPPNVA

ClinVar aggregate classification (germline): Uncertain significance. Review status: criteria provided, multiple submitters, no conflicts (2 of 4 stars). 2 submissions from 2 submitters: Uncertain significance (2). Last evaluated 2025-01-11.

Conditions:
Hereditary cancer-predisposing syndrome. Also called: Neoplastic Syndromes, Hereditary; Tumor predisposition; Hereditary Cancer Syndrome; Hereditary neoplastic syndrome. Identifiers: Orphanet 140162, MedGen C0027672, MeSH D009386, MONDO:0015356.
Neuroblastoma, susceptibility to, 3. Also called: ALK-Related Neuroblastic Tumor Susceptibility. Identifiers: Orphanet 635, MedGen C2751681, MONDO:0013083, OMIM 613014.

gnomAD v4.1: 1 of 1,614,206 alleles (0.000062%); highest among the groups gnomAD compares: Non-Finnish European, 0.000085%; no homozygotes.

Submissions (2):

Ambry Genetics
Classification: Uncertain significance for Hereditary cancer-predisposing syndrome. Last evaluated: 2025-01-11. Review status: criteria provided, single submitter. Criteria: Ambry Variant Classification Scheme 2023. Collection method: clinical testing. Allele origin: germline.
Comment: The p.E1536K variant (also known as c.4606G>A), located in coding exon 29 of the ALK gene, results from a G to A substitution at nucleotide position 4606. The glutamic acid at codon 1536 is replaced by lysine, an amino acid with similar properties. This amino acid position is conserved. In addition, this alteration is predicted to be tolerated by in silico analysis. Since supporting evidence is limited at this time, the clinical significance of this alteration remains unclear.

Labcorp Genetics (formerly Invitae), Labcorp
Classification: Uncertain significance for Neuroblastoma, susceptibility to, 3. Last evaluated: 2023-09-04. Review status: criteria provided, single submitter. Criteria: Invitae Variant Classification Sherloc (09022015). Collection method: clinical testing. Allele origin: germline.
Comment: An algorithm developed to predict the effect of missense changes on protein structure and function (PolyPhen-2) suggests that this variant is likely to be tolerated. In summary, the available evidence is currently insufficient to determine the role of this variant in disease. Therefore, it has been classified as a Variant of Uncertain Significance. ClinVar contains an entry for this variant (Variation ID: 538216). This variant has not been reported in the literature in individuals affected with ALK-related conditions. This variant is not present in population databases (gnomAD no frequency). This sequence change replaces glutamic acid, which is acidic and polar, with lysine, which is basic and polar, at codon 1536 of the ALK protein (p.Glu1536Lys).